The following is an entry in ClinVar:

NM_004304.5(ALK):c.573C>T (p.Pro191=)

Gene: ALK (ALK receptor tyrosine kinase; minus strand). Cytogenetic location: 2p23.1.
Variant type: single nucleotide variant.
Coding change: c.573C>T on transcript NM_004304.5 (MANE Select); coding-DNA position 573, C replaced by T.
Protein change: p.Pro191=; no amino-acid change (proline 191 retained).
Molecular consequence: synonymous variant.
Genome position (GRCh38, 1-based): chr2:29,920,087, G>A on the plus strand (C>T on the coding strand, the complement: ALK is on the minus strand). VCF-style: chr2-29920087-G-A. GRCh37 (hg19) VCF-style: chr2-30142953-G-A.
Identifiers: ClinVar variation 1664006 (VCV001664006.18), dbSNP rs145440822, ClinGen allele CA1594941.

ClinVar aggregate classification (germline): Likely benign. Review status: criteria provided, multiple submitters, no conflicts (2 of 4 stars). 3 submissions from 3 submitters: Likely benign (3). Last evaluated 2025-06-01.

Conditions:
Hereditary cancer-predisposing syndrome. Also called: Hereditary Cancer Syndrome; Neoplastic Syndromes, Hereditary; Hereditary neoplastic syndrome; Tumor predisposition. Identifiers: Orphanet 140162, MedGen C0027672, MeSH D009386, MONDO:0015356.
Neuroblastoma, susceptibility to, 3. Also called: ALK-Related Neuroblastic Tumor Susceptibility. Identifiers: Orphanet 635, MedGen C2751681, MONDO:0013083, OMIM 613014.

gnomAD v4.1: 7 of 1,614,050 alleles (0.00043%); highest among the groups gnomAD compares: Admixed American, 0.0083%; no homozygotes.

Submissions (3):

CeGaT Center for Human Genetics Tuebingen
Classification: Likely benign. Last evaluated: 2025-06-01. Review status: criteria provided, single submitter. Criteria: CeGaT Center For Human Genetics Tuebingen Variant Classification Criteria Version 2. Collection method: clinical testing. Allele origin: germline. Affected: yes. Observed: 1 variant allele.
Comment: ALK: BP4, BP7

Labcorp Genetics (formerly Invitae), Labcorp
Classification: Likely benign for Neuroblastoma, susceptibility to, 3. Last evaluated: 2023-04-29. Review status: criteria provided, single submitter. Criteria: Invitae Variant Classification Sherloc (09022015). Collection method: clinical testing. Allele origin: germline.

Ambry Genetics
Classification: Likely benign for Hereditary cancer-predisposing syndrome. Last evaluated: 2021-03-16. Review status: criteria provided, single submitter. Criteria: Ambry Variant Classification Scheme 2023. Collection method: clinical testing. Allele origin: germline.